The following is an entry in ClinVar:

NM_001378454.1(ALMS1):c.9702C>G (p.Asn3234Lys)

Gene: ALMS1 (ALMS1 centrosome and basal body associated protein; plus strand). Cytogenetic location: 2p13.1.
Variant type: single nucleotide variant.
Coding change: c.9702C>G on transcript NM_001378454.1 (MANE Select); coding-DNA position 9702, C replaced by G.
Protein change: p.Asn3234Lys; replaces asparagine 3234 with lysine.
Molecular consequence: missense variant.
Genome position (GRCh38, 1-based): chr2:73,519,937, C>G. VCF-style: chr2-73519937-C-G. GRCh37 (hg19) VCF-style: chr2-73747064-C-G.
Other names: c.9705C>G, p.Asn3235Lys (NM_015120.4); short protein forms N3234K, N3235K.
Identifiers: ClinVar variation 1054544 (VCV001054544.10), dbSNP rs771376818, ClinGen allele CA50397923.

ClinVar aggregate classification (germline): Uncertain significance. Review status: criteria provided, multiple submitters, no conflicts (2 of 4 stars). 3 submissions from 3 submitters: Uncertain significance (2). 1 of the submissions does not count toward it. Last evaluated 2022-07-02.

Conditions:
Cardiovascular phenotype. Identifiers: MedGen CN230736.
Alstrom syndrome (ALMS). Identifiers: Orphanet 64, MedGen C0268425, MONDO:0008763, OMIM 203800.

Allele frequency attached by ClinVar (database versions not stated): gnomAD exomes below 0.00001 and 0.00004; gnomAD 0.00001; TOPMed 0.00003.
gnomAD v4.1: 62 of 1,613,946 alleles (0.0038%); highest among the groups gnomAD compares: Non-Finnish European, 0.0051%; no homozygotes.

Submissions (3):

Labcorp Genetics (formerly Invitae), Labcorp
Classification: Uncertain significance for Alstrom syndrome. Last evaluated: 2022-07-02. Review status: criteria provided, single submitter. Criteria: Invitae Variant Classification Sherloc (09022015). Collection method: clinical testing. Allele origin: germline.
Comment: This sequence change replaces asparagine, which is neutral and polar, with lysine, which is basic and polar, at codon 3235 of the ALMS1 protein (p.Asn3235Lys). This variant is present in population databases (rs771376818, gnomAD 0.0009%). This variant has not been reported in the literature in individuals affected with ALMS1-related conditions. ClinVar contains an entry for this variant (Variation ID: 1054544). Experimental studies and prediction algorithms are not available or were not evaluated, and the functional significance of this variant is currently unknown. Algorithms developed to predict the effect of sequence changes on RNA splicing suggest that this variant may create or strengthen a splice site. In summary, the available evidence is currently insufficient to determine the role of this variant in disease. Therefore, it has been classified as a Variant of Uncertain Significance.

Ambry Genetics
Classification: Uncertain significance for Cardiovascular phenotype. Last evaluated: 2021-09-28. Review status: criteria provided, single submitter. Criteria: Ambry Variant Classification Scheme 2023. Collection method: clinical testing. Allele origin: germline.
Comment: The p.N3235K variant (also known as c.9705C>G), located in coding exon 11 of the ALMS1 gene, results from a C to G substitution at nucleotide position 9705. The asparagine at codon 3235 is replaced by lysine, an amino acid with similar properties. This amino acid position is poorly conserved in available vertebrate species. In addition, this alteration is predicted to be tolerated by in silico analysis. Since supporting evidence is limited at this time, the clinical significance of this alteration remains unclear.

Natera, Inc.
Classification: Uncertain significance for Alstrom syndrome. Last evaluated: 2020-03-10. Review status: no assertion criteria provided. Collection method: clinical testing. Allele origin: germline. Not counted in ClinVar's aggregate classification.